The following is an entry in ClinVar:

ClinVar aggregate classification (germline): Likely benign. Review status: criteria provided, multiple submitters, no conflicts (2 of 4 stars). 2 submissions from 2 submitters: Likely benign (2). Last evaluated 2026-05-01.

Conditions:
Cardiomyopathy (CMYO). Also called: Cardiomyopathies. Identifiers: Orphanet 167848, MedGen C0878544, MONDO:0004994, HP:0001638. Inheritance: Various modes of inheritance.

Allele frequency attached by ClinVar (database versions not stated): gnomAD exomes below 0.00001.
gnomAD v4.1: 1 of 1,614,202 alleles (0.000062%); highest among the groups gnomAD compares: Non-Finnish European, 0.000085%; no homozygotes.

Submissions (2):

CeGaT Center for Human Genetics Tuebingen
Classification: Likely benign. Last evaluated: 2026-05-01. Review status: criteria provided, single submitter. Criteria: CeGaT Center For Human Genetics Tuebingen Variant Classification Criteria Version 2. Collection method: clinical testing. Allele origin: germline. Affected: yes. Observed: 2 variant alleles.
Comment: DSP: BP4, BP7

Color Diagnostics, LLC DBA Color Health
Classification: Likely benign for Cardiomyopathy. Last evaluated: 2019-04-26. Review status: criteria provided, single submitter. Criteria: ACMG Guidelines, 2015. Collection method: clinical testing. Allele origin: germline.

NM_004415.4(DSP):c.8358G>A (p.Lys2786=)

Gene: DSP (desmoplakin; plus strand). Cytogenetic location: 6p24.3.
Variant type: single nucleotide variant.
Coding change: c.8358G>A on transcript NM_004415.4 (MANE Select); coding-DNA position 8358, G replaced by A.
Protein change: p.Lys2786=; no amino-acid change (lysine 2786 retained).
Molecular consequence: synonymous variant.
Genome position (GRCh38, 1-based): chr6:7,585,620, G>A. VCF-style: chr6-7585620-G-A. GRCh37 (hg19) VCF-style: chr6-7585853-G-A.
Other names: c.6561G>A, p.Lys2187= (NM_001008844.3); c.7029G>A, p.Lys2343= (NM_001319034.2).
Identifiers: ClinVar variation 924180 (VCV000924180.4), dbSNP rs1759636996, ClinGen allele CA448717110.